The following is an entry in ClinVar:

ClinVar aggregate classification (germline): Likely benign (0 of 4 stars; one submission).

Conditions:
JAG1-related disorder. Also called: JAG1-related disorders; JAG1-related condition.

Allele frequency attached by ClinVar (database versions not stated): gnomAD exomes below 0.00001.
gnomAD v4.1: 4 of 1,550,182 alleles (0.00026%); highest among the groups gnomAD compares: Admixed American, 0.0017%; no homozygotes.

Submission:

PreventionGenetics, part of Exact Sciences
Classification: Likely benign for JAG1-related condition. Last evaluated: 2023-08-15. Review status: no assertion criteria provided. Collection method: clinical testing. Allele origin: germline.
Comment: This variant is classified as likely benign based on ACMG/AMP sequence variant interpretation guidelines (Richards et al. 2015 PMID: 25741868, with internal and published modifications).

NM_000214.3(JAG1):c.2459-10T>C

Gene: JAG1 (jagged canonical Notch ligand 1; minus strand). Cytogenetic location: 20p12.2.
Variant type: single nucleotide variant.
Coding change: c.2459-10T>C on transcript NM_000214.3 (MANE Select); 10 bases into the intron before coding-DNA position 2459, T replaced by C.
Molecular consequence: intron variant.
Genome position (GRCh38, 1-based): chr20:10,642,611, A>G on the plus strand (T>C on the coding strand, the complement: JAG1 is on the minus strand). VCF-style: chr20-10642611-A-G. GRCh37 (hg19) VCF-style: chr20-10623259-A-G.
Identifiers: ClinVar variation 3044104 (VCV003044104.2), dbSNP rs1234771905, ClinGen allele CA634461228.